The following is an entry in ClinVar:

NM_006947.4(SRP72):c.58C>T (p.Arg20Trp)

Gene: SRP72 (signal recognition particle 72; plus strand). Cytogenetic location: 4q12.
Variant type: single nucleotide variant.
Coding change: c.58C>T on transcript NM_006947.4 (MANE Select); coding-DNA position 58, C replaced by T.
Protein change: p.Arg20Trp; replaces arginine 20 with tryptophan.
Molecular consequence: missense variant. On other transcripts: non-coding transcript variant (1).
Genome position (GRCh38, 1-based): chr4:56,467,693, C>T. VCF-style: chr4-56467693-C-T. GRCh37 (hg19) VCF-style: chr4-57333859-C-T.
Other names: c.58C>T, p.Arg20Trp (NM_001267722.2); short protein forms R20W.
Identifiers: ClinVar variation 349117 (VCV000349117.47), dbSNP rs111673705, ClinGen allele CA2930944.
Genomic context (GRCh38, chr4:56,467,693, plus strand): 5'-AAGATGGCGAGCGGCGGCAGCGGGGGGGTGTCAGTACCTGCGCTGTGGAGTGAAGTGAAC[C>T]GGTATGGCCAGAACGGCGACTTCACGCGCGCTCTCAAGACCGTCAATAAGAGTAAGTGTC-3'
Protein context (NP_008878.3, residues 10-30): SVPALWSEVN[Arg20Trp]YGQNGDFTRA

ClinVar aggregate classification (germline): Benign/Likely benign. Review status: criteria provided, multiple submitters, no conflicts (2 of 4 stars). 11 submissions from 11 submitters: Benign (3); Likely benign (5). 3 of the submissions do not count toward it. Last evaluated 2026-01-28.

Conditions:
SRP72-related disorder. Also called: SRP72-related condition.
Autosomal dominant aplasia and myelodysplasia. Also called: Bone marrow failure syndrome 1. Identifiers: Orphanet 314399, MedGen C3808553, MONDO:0013851, OMIM 614675.

Allele frequency attached by ClinVar (database versions not stated): 1000 Genomes Project 0.00140; 1000 Genomes Project 30x 0.00187; gnomAD exomes 0.00260; TOPMed 0.00305; ESP Exome Variant Server 0.00392.
gnomAD v4.1: 6,349 of 1,554,546 alleles (0.41%); highest among the groups gnomAD compares: Non-Finnish European, 0.49%; 20 homozygotes.

Submissions (11):

Labcorp Genetics (formerly Invitae), Labcorp
Classification: Likely benign. Last evaluated: 2026-01-28. Review status: criteria provided, single submitter. Criteria: Invitae Variant Classification Sherloc (09022015). Collection method: clinical testing. Allele origin: germline.

Blueprint Genetics
Classification: Likely benign. Last evaluated: 2024-11-19. Review status: criteria provided, single submitter. Criteria: ACMG Guidelines, 2015. Collection method: clinical testing. Allele origin: germline.

ARUP Laboratories, Molecular Genetics and Genomics, ARUP Laboratories
Classification: Likely benign for Autosomal dominant aplasia and myelodysplasia. Last evaluated: 2024-11-06. Review status: criteria provided, single submitter. Criteria: ARUP Molecular Germline Variant Investigation Process 2024. Collection method: clinical testing. Allele origin: germline.

CeGaT Center for Human Genetics Tuebingen
Classification: Benign. Last evaluated: 2023-02-01. Review status: criteria provided, single submitter. Criteria: CeGaT Center For Human Genetics Tuebingen Variant Classification Criteria Version 2. Collection method: clinical testing. Allele origin: germline. Affected: yes. Observed: 2 variant alleles.
Comment: SRP72: BS1, BS2

GeneDx
Classification: Likely benign. Last evaluated: 2021-03-23. Review status: criteria provided, single submitter. Criteria: GeneDx Variant Classification Process June 2021. Collection method: clinical testing. Allele origin: germline. Affected: yes.

Genetic Services Laboratory, University of Chicago
Classification: Benign. Last evaluated: 2019-04-24. Review status: criteria provided, single submitter. Criteria: ACMG Guidelines, 2015. Collection method: clinical testing. Allele origin: germline. Affected: no.

Illumina Laboratory Services, Illumina
Classification: Benign for Autosomal dominant aplasia and myelodysplasia. Last evaluated: 2018-01-13. Review status: criteria provided, single submitter. Criteria: ICSL Variant Classification Criteria 13 December 2019. Collection method: clinical testing. Allele origin: germline.
Comment: This variant was observed in the ICSL laboratory as part of a predisposition screen in an ostensibly healthy population. It had not been previously curated by ICSL or reported in the Human Gene Mutation Database (HGMD: prior to June 1st, 2018), and was therefore a candidate for classification through an automated scoring system. Utilizing variant allele frequency, disease prevalence and penetrance estimates, and inheritance mode, an automated score was calculated to assess if this variant is too frequent to cause the disease. Based on the score and internal cut-off values, a variant classified as benign is not then subjected to further curation. The score for this variant resulted in a classification of benign for this disease.

Breakthrough Genomics
Classification: Likely benign. Review status: criteria provided, single submitter. Criteria: ACMG Guidelines, 2015. Collection method: not provided. Allele origin: germline. Inheritance: Autosomal dominant inheritance. Affected: yes.

PreventionGenetics, part of Exact Sciences
Classification: Benign for SRP72-related condition. Last evaluated: 2020-03-03. Review status: no assertion criteria provided. Collection method: clinical testing. Allele origin: germline. Not counted in ClinVar's aggregate classification.
Comment: This variant is classified as benign based on ACMG/AMP sequence variant interpretation guidelines (Richards et al. 2015 PMID: 25741868, with internal and published modifications).

Diagnostic Laboratory, Department of Genetics, University Medical Center Groningen
Classification: Likely benign. Review status: no assertion criteria provided. Collection method: clinical testing. Allele origin: germline. Affected: yes. Study: VKGL Data-share Consensus. Not counted in ClinVar's aggregate classification.

Genome Diagnostics Laboratory, University Medical Center Utrecht
Classification: Likely benign. Review status: no assertion criteria provided. Collection method: clinical testing. Allele origin: germline. Affected: yes. Study: VKGL Data-share Consensus. Not counted in ClinVar's aggregate classification.